The following is an entry in ClinVar:

ClinVar aggregate classification (germline): Uncertain significance (1 of 4 stars; one submission).

Submission:

Women's Health and Genetics/Laboratory Corporation of America, LabCorp
Classification: Uncertain significance. Last evaluated: 2022-08-22. Review status: criteria provided, single submitter. Criteria: LabCorp Variant Classification Summary - May 2015. Collection method: clinical testing. Allele origin: germline.
Comment: Variant summary: HBB c.-152C>A is located in the untranscribed region upstream of the HBB gene region. The variant was absent in 31400 control chromosomes (gnomAD). The available data on variant occurrences in the general population are insufficient to allow any conclusion about variant significance. c.-152C>A (Also known as c.-102C>A) has been reported in the literature in a heterozygous individual with silent thalassemia phenotype (example: Aguilar-martinez_2007). This report does not allow any conclusion about variant significance. To our knowledge, no experimental evidence demonstrating an impact on protein function has been reported. No clinical diagnostic laboratories have submitted clinical-significance assessments for this variant to ClinVar after 2014. Based on the evidence outlined above, the variant was classified as uncertain significance.

Literature cited by the submitters: PubMed 19657844; PubMed 17665502.

NM_000518.4(HBB):c.-152C>A

Genes: HBB (hemoglobin subunit beta; minus strand), LOC106099062 (HBB recombination region; plus strand), LOC107133510 (origin of replication at HBB; plus strand). Cytogenetic location: 11p15.4.
Variant type: single nucleotide variant.
Coding change: c.-152C>A on transcript NM_000518.4; 152 bases upstream of the start codon, C replaced by A.
Genome position (GRCh38, 1-based): chr11:5,227,173, G>T on the plus strand (C>A on the coding strand, the complement: HBB is on the minus strand). VCF-style: chr11-5227173-G-T. GRCh37 (hg19) VCF-style: chr11-5248403-G-T.
Identifiers: ClinVar variation 1705167 (VCV001705167.1), dbSNP rs2494297771, ClinGen allele CA2579829360.